The following is an entry in ClinVar:

ClinVar aggregate classification (germline): Uncertain significance. Review status: criteria provided, multiple submitters, no conflicts (2 of 4 stars). 2 submissions from 2 submitters: Uncertain significance (2). Last evaluated 2025-09-24.

Conditions:
Familial focal epilepsy with variable foci (FPEVF). Identifiers: Orphanet 98820, MedGen C1858477, MONDO:0020310.

Allele frequency attached by ClinVar (database versions not stated): gnomAD 0.00001 and 0.00003; gnomAD exomes 0.00001 and 0.00002; ExAC 0.00002; TOPMed 0.00004; 1000 Genomes Project 0.00040; 1000 Genomes Project 30x 0.00078.
gnomAD v4.1: 23 of 1,614,094 alleles (0.0014%); highest among the groups gnomAD compares: Admixed American, 0.03%; no homozygotes.

Submissions (2):

Labcorp Genetics (formerly Invitae), Labcorp
Classification: Uncertain significance for Familial focal epilepsy with variable foci. Last evaluated: 2025-09-24. Review status: criteria provided, single submitter. Criteria: Invitae Variant Classification Sherloc (09022015). Collection method: clinical testing. Allele origin: germline.
Comment: This sequence change replaces alanine, which is neutral and non-polar, with threonine, which is neutral and polar, at codon 955 of the DEPDC5 protein (p.Ala955Thr). This variant is present in population databases (rs538998618, gnomAD 0.009%). This variant has not been reported in the literature in individuals affected with DEPDC5-related conditions. ClinVar contains an entry for this variant (Variation ID: 577776). Experimental studies and prediction algorithms are not available or were not evaluated, and the functional significance of this variant is currently unknown. In summary, the available evidence is currently insufficient to determine the role of this variant in disease. Therefore, it has been classified as a Variant of Uncertain Significance.

Athena Diagnostics
Classification: Uncertain significance. Last evaluated: 2025-07-08. Review status: criteria provided, single submitter. Criteria: Athena Diagnostics Criteria. Collection method: clinical testing. Allele origin: unknown.
Comment: Available data are insufficient to determine the clinical significance of the variant at this time. The frequency of this variant in the general population is uninformative in assessment of its pathogenicity. This variant has been seen where an alternate explanation for disease was also identified, suggesting this variant may not cause disease. Polyphen and MutationTaster predict this amino acid change may be benign.

Literature cited by the submitters: PubMed 31440721 (cited by Athena Diagnostics).

NM_001242896.3(DEPDC5):c.2863G>A (p.Ala955Thr)

Gene: DEPDC5 (DEP domain containing 5, GATOR1 subcomplex subunit; plus strand). Cytogenetic location: 22q12.3.
Variant type: single nucleotide variant.
Coding change: c.2863G>A on transcript NM_001242896.3 (MANE Select); coding-DNA position 2863, G replaced by A.
Protein change: p.Ala955Thr; replaces alanine 955 with threonine.
Molecular consequence: missense variant. On other transcripts: non-coding transcript variant (5).
Genome position (GRCh38, 1-based): chr22:31,845,079, G>A. VCF-style: chr22-31845079-G-A. GRCh37 (hg19) VCF-style: chr22-32241065-G-A.
Other names: c.2836G>A, p.Ala946Thr (NM_001136029.4, NM_001369903.1, NM_014662.6); c.2629G>A, p.Ala877Thr (NM_001242897.2, NM_001363854.2, NM_001364319.2); c.2863G>A, p.Ala955Thr (NM_001363852.2, NM_001364318.2, NM_001364320.2); c.2779G>A, p.Ala927Thr (NM_001369901.1, NM_001369902.1); short protein forms A877T, A955T, A927T, A946T.
Identifiers: ClinVar variation 577776 (VCV000577776.12), dbSNP rs538998618, ClinGen allele CA10196820.